The following is an entry in ClinVar:

ClinVar aggregate classification (germline): Pathogenic (1 of 4 stars; one submission).

Conditions:
Neurofibromatosis, type 1 (NF1). Also called: NEUROFIBROMATOSIS, TYPE I, SOMATIC; Neurofibromatosis, type I; Peripheral type neurofibromatosis; VON RECKLINGHAUSEN DISEASE. Identifiers: Orphanet 636, MedGen C0027831, MONDO:0018975, OMIM 162200. Disease mechanism: loss of function.

Submission:

Labcorp Genetics (formerly Invitae), Labcorp
Classification: Pathogenic for Neurofibromatosis, type 1. Last evaluated: 2022-01-28. Review status: criteria provided, single submitter. Criteria: Invitae Variant Classification Sherloc (09022015). Collection method: clinical testing. Allele origin: germline.
Comment: For these reasons, this variant has been classified as Pathogenic. This variant has not been reported in the literature in individuals affected with NF1-related conditions. This variant is not present in population databases (gnomAD no frequency). This sequence change creates a premature translational stop signal (p.Arg103*) in the NF1 gene. It is expected to result in an absent or disrupted protein product. Loss-of-function variants in NF1 are known to be pathogenic (PMID: 10712197, 23913538).

Literature cited by the submitters: PubMed 10712197; PubMed 23913538.

NM_001042492.3(NF1):c.307A>T (p.Arg103Ter)

Gene: NF1 (neurofibromin 1; plus strand). Cytogenetic location: 17q11.2.
Variant type: single nucleotide variant.
Coding change: c.307A>T on transcript NM_001042492.3 (MANE Select); coding-DNA position 307, A replaced by T.
Protein change: p.Arg103Ter; replaces arginine 103 with a stop codon.
Molecular consequence: nonsense.
Genome position (GRCh38, 1-based): chr17:31,163,204, A>T. VCF-style: chr17-31163204-A-T. GRCh37 (hg19) VCF-style: chr17-29490222-A-T.
Other names: c.307A>T, p.Arg103Ter (NM_001128147.3, NM_000267.4); short protein forms R103*.
Identifiers: ClinVar variation 2090680 (VCV002090680.4), dbSNP rs2143670560, ClinGen allele CA398981664.